The following is an entry in ClinVar:

ClinVar aggregate classification (germline): Uncertain significance. Review status: criteria provided, multiple submitters, no conflicts (2 of 4 stars). 2 submissions from 2 submitters: Uncertain significance (2). Last evaluated 2025-04-05.

Conditions:
EGFR-related lung cancer (EGFR). Identifiers: MedGen CN130014.
Hereditary cancer-predisposing syndrome. Also called: Tumor predisposition; Hereditary neoplastic syndrome; Neoplastic Syndromes, Hereditary; Hereditary Cancer Syndrome. Identifiers: Orphanet 140162, MedGen C0027672, MeSH D009386, MONDO:0015356.

Submissions (2):

Ambry Genetics
Classification: Uncertain significance for Hereditary cancer-predisposing syndrome. Last evaluated: 2025-04-05. Review status: criteria provided, single submitter. Criteria: Ambry Variant Classification Scheme 2023. Collection method: clinical testing. Allele origin: germline.
Comment: The p.I821V variant (also known as c.2461A>G), located in coding exon 20 of the EGFR gene, results from an A to G substitution at nucleotide position 2461. The isoleucine at codon 821 is replaced by valine, an amino acid with highly similar properties. This amino acid position is conserved. In addition, the in silico prediction for this alteration is inconclusive. Based on the available evidence, the clinical significance of this variant remains unclear.

Labcorp Genetics (formerly Invitae), Labcorp
Classification: Uncertain significance for EGFR-related lung cancer. Last evaluated: 2019-08-11. Review status: criteria provided, single submitter. Criteria: Invitae Variant Classification Sherloc (09022015). Collection method: clinical testing. Allele origin: germline.
Comment: In summary, the available evidence is currently insufficient to determine the role of this variant in disease. Therefore, it has been classified as a Variant of Uncertain Significance. Algorithms developed to predict the effect of missense changes on protein structure and function are either unavailable or do not agree on the potential impact of this missense change (SIFT: "Deleterious"; PolyPhen-2: "Probably Damaging"; Align-GVGD: "Class C0"). This variant has not been reported in the literature in individuals with EGFR-related conditions. This variant is not present in population databases (ExAC no frequency). This sequence change replaces isoleucine with valine at codon 821 of the EGFR protein (p.Ile821Val). The isoleucine residue is highly conserved and there is a small physicochemical difference between isoleucine and valine.

NM_005228.5(EGFR):c.2461A>G (p.Ile821Val)

Genes: EGFR (epidermal growth factor receptor; plus strand), EGFR-AS1 (EGFR antisense RNA 1; minus strand). Cytogenetic location: 7p11.2.
Variant type: single nucleotide variant.
Coding change: c.2461A>G on transcript NM_005228.5 (MANE Select); coding-DNA position 2461, A replaced by G.
Protein change: p.Ile821Val; replaces isoleucine 821 with valine.
Molecular consequence: missense variant. On other transcripts: non-coding transcript variant (1).
Genome position (GRCh38, 1-based): chr7:55,181,470, A>G. VCF-style: chr7-55181470-A-G. GRCh37 (hg19) VCF-style: chr7-55249163-A-G.
Other names: c.2326A>G, p.Ile776Val (NM_001346897.2, NM_001346899.2); c.2461A>G, p.Ile821Val (NM_001346898.2); c.2302A>G, p.Ile768Val (NM_001346900.2); c.1660A>G, p.Ile554Val (NM_001346941.2); short protein forms I768V, I554V, I776V, I821V.
Identifiers: ClinVar variation 952901 (VCV000952901.10), dbSNP rs1786873149, ClinGen allele CA367579059.